The following is an entry in ClinVar:

NM_001077365.2(POMT1):c.72del (p.Met25fs)

Gene: POMT1 (protein O-mannosyltransferase 1; plus strand). Cytogenetic location: 9q34.13.
Variant type: Deletion.
Coding change: c.72del on transcript NM_001077365.2 (MANE Select); coding-DNA position 72, one base deleted (G; older notation c.72delG).
Protein change: p.Met25fs; shifts the reading frame from methionine 25.
Molecular consequence: frameshift variant. On other transcripts: 5 prime UTR variant (4), non-coding transcript variant (4), intron variant (9).
Genome position (GRCh38, 1-based): chr9:131,504,290, G deleted; the last of 3 consecutive G bases (chr9:131,504,288-131,504,290); deleting any one gives the same sequence. VCF-style (leftmost placement, unchanged base first): chr9-131504287-TG-T. GRCh37 (hg19) VCF-style: chr9-134379674-TG-T.
Other names: c.72del, p.Met25fs (NM_001136113.2, NM_001353193.2, NM_001353196.2 and 2 more transcripts); c.-173del (NM_001353195.2); c.-400del (NM_001353198.2); c.-122del (NM_001374692.1); c.-80del (NM_001374695.1); c.-41+977del (NM_001353194.2); c.-72+977del (NM_001374691.1); c.-41+1217del (NM_001374689.1, NM_001353197.2, NM_001077366.2 and 1 more transcripts); and 2 more; short protein forms M25fs.
Identifiers: ClinVar variation 1451349 (VCV001451349.6), dbSNP rs2131554917, ClinGen allele CA2573144008.

ClinVar aggregate classification (germline): Pathogenic (1 of 4 stars; one submission).

Conditions:
Walker-Warburg congenital muscular dystrophy. Also called: Muscular dystrophy-dystroglycanopathy, type A; Walker-Warburg syndrome. Identifiers: Orphanet 899, MedGen C0265221, MONDO:0000171.
Autosomal recessive limb-girdle muscular dystrophy type 2K. Also called: MUSCULAR DYSTROPHY-DYSTROGLYCANOPATHY (LIMB-GIRDLE), TYPE C, 1; MUSCULAR DYSTROPHY, LIMB-GIRDLE, TYPE 2K. Identifiers: Orphanet 86812, MedGen C1836373, MONDO:0012248, OMIM 609308.
Muscular dystrophy-dystroglycanopathy (congenital with impaired intellectual development), type B, 1. Also called: Muscular dystrophy-dystroglycanopathy (congenital with intellectual disability), type B1; MUSCULAR DYSTROPHY, CONGENITAL, POMT1-RELATED. Identifiers: MedGen C5436962, MONDO:0013159, OMIM 613155.

Submission:

Labcorp Genetics (formerly Invitae), Labcorp
Classification: Pathogenic for Muscular dystrophy-dystroglycanopathy (congenital with impaired intellectual development), type B, 1; Walker-Warburg congenital muscular dystrophy; Autosomal recessive limb-girdle muscular dystrophy type 2K. Last evaluated: 2022-02-24. Review status: criteria provided, single submitter. Criteria: Invitae Variant Classification Sherloc (09022015). Collection method: clinical testing. Allele origin: germline.
Comment: For these reasons, this variant has been classified as Pathogenic. This variant has not been reported in the literature in individuals affected with POMT1-related conditions. This variant is not present in population databases (gnomAD no frequency). This sequence change creates a premature translational stop signal (p.Met25Trpfs*4) in the POMT1 gene. It is expected to result in an absent or disrupted protein product. Loss-of-function variants in POMT1 are known to be pathogenic (PMID: 12369018, 15637732, 16575835).

Literature cited by the submitters: PubMed 12369018; PubMed 15637732; PubMed 16575835.